The following is an entry in ClinVar:

NM_000168.6(GLI3):c.3874del (p.Gln1292fs)

Gene: GLI3 (GLI family zinc finger 3; minus strand). Cytogenetic location: 7p14.1.
Variant type: Deletion.
Coding change: c.3874del on transcript NM_000168.6 (MANE Select); coding-DNA position 3874, one base deleted (C; older notation c.3874delC).
Protein change: p.Gln1292fs; shifts the reading frame from glutamine 1292.
Molecular consequence: frameshift variant.
Genome position (GRCh38, 1-based): chr7:41,965,199, G deleted on the plus strand (C on the coding strand, the reverse complement: GLI3 is on the minus strand); the first of 2 consecutive G bases (chr7:41,965,199-41,965,200); deleting either gives the same sequence. VCF-style (leftmost placement, unchanged base first): chr7-41965198-TG-T. GRCh37 (hg19) VCF-style: chr7-42004796-TG-T.
Other names: short protein forms Q1292fs.
Identifiers: ClinVar variation 852063 (VCV000852063.10), dbSNP rs1787127981, ClinGen allele CA916082922.

ClinVar aggregate classification (germline): Pathogenic. Review status: criteria provided, multiple submitters, no conflicts (2 of 4 stars). 2 submissions from 2 submitters: Pathogenic (2). Last evaluated 2023-03-22.

Conditions:
Greig cephalopolysyndactyly syndrome (GCPS). Also called: POLYSYNDACTYLY WITH PECULIAR SKULL SHAPE; Greig syndrome; GLI3-Related Greig Cephalopolysyndactyly Syndrome. Identifiers: Orphanet 380, MedGen C0265306, MONDO:0008287, OMIM 175700.
Pallister-Hall syndrome (PHS). Also called: HYPOTHALAMIC HAMARTOBLASTOMA, HYPOPITUITARISM, IMPERFORATE ANUS, AND POSTAXIAL POLYDACTYLY; GLI3-Related Pallister-Hall Syndrome. Identifiers: Orphanet 672, MedGen C0265220, MONDO:0007804, OMIM 146510.

Submissions (2):

Laboratory of Medical Genetics, National & Kapodistrian University of Athens
Classification: Pathogenic for Greig cephalopolysyndactyly syndrome. Last evaluated: 2023-03-22. Review status: criteria provided, single submitter. Criteria: ACMG Guidelines, 2015. Collection method: clinical testing. Allele origin: germline. Affected: yes.
Comment: PVS1, PM2, PP5

Labcorp Genetics (formerly Invitae), Labcorp
Classification: Pathogenic for Pallister-Hall syndrome; Greig cephalopolysyndactyly syndrome. Last evaluated: 2019-01-19. Review status: criteria provided, single submitter. Criteria: Invitae Variant Classification Sherloc (09022015). Collection method: clinical testing. Allele origin: germline.
Comment: For these reasons, this variant has been classified as Pathogenic. This variant disrupts the C-terminus of the GLI3 protein. Other variant(s) that disrupt this region (p.Glu1500*) have been determined to be pathogenic (Invitae). This suggests that variants that disrupt this region of the protein are likely to be causative of disease. This variant has not been reported in the literature in individuals with GLI3-related conditions. This variant is not present in population databases (ExAC no frequency). This sequence change results in a premature translational stop signal in the GLI3 gene (p.Gln1292Serfs*2). While this is not anticipated to result in nonsense mediated decay, it is expected to disrupt the last 289 amino acids of the GLI3 protein.